The following is an entry in ClinVar:

ClinVar aggregate classification (germline): Uncertain significance (1 of 4 stars; one submission).

gnomAD v4.1: 5 of 1,510,270 alleles (0.00033%); highest among the groups gnomAD compares: Non-Finnish European, 0.00044%; no homozygotes.

Submission:

Labcorp Genetics (formerly Invitae), Labcorp
Classification: Uncertain significance. Last evaluated: 2024-12-24. Review status: criteria provided, single submitter. Criteria: Invitae Variant Classification Sherloc (09022015). Collection method: clinical testing. Allele origin: germline.
Comment: This sequence change replaces proline, which is neutral and non-polar, with alanine, which is neutral and non-polar, at codon 405 of the EXOC3L2 protein (p.Pro405Ala). This variant is present in population databases (no rsID available, gnomAD 0.004%). This variant has not been reported in the literature in individuals affected with EXOC3L2-related conditions. An algorithm developed to predict the effect of missense changes on protein structure and function outputs the following: PolyPhen-2: "Not Available". The alanine amino acid residue is found in multiple mammalian species, which suggests that this missense change does not adversely affect protein function. In summary, the available evidence is currently insufficient to determine the role of this variant in disease. Therefore, it has been classified as a Variant of Uncertain Significance.

NM_001382422.1(EXOC3L2):c.2392C>G (p.Pro798Ala)

Genes: BLOC1S3 (biogenesis of lysosomal organelles complex 1 subunit 3; plus strand), EXOC3L2 (exocyst complex component 3 like 2; minus strand). Cytogenetic location: 19q13.32.
Variant type: single nucleotide variant.
Coding change: c.2392C>G on transcript NM_001382422.1 (MANE Select); coding-DNA position 2392, C replaced by G.
Protein change: p.Pro798Ala; replaces proline 798 with alanine.
Molecular consequence: missense variant.
Genome position (GRCh38, 1-based): chr19:45,213,086, G>C on the plus strand (C>G on the coding strand, the complement: EXOC3L2 is on the minus strand). VCF-style: chr19-45213086-G-C. GRCh37 (hg19) VCF-style: chr19-45716344-G-C.
Other names: short protein forms P798A.
Identifiers: ClinVar variation 3728014 (VCV003728014.2).